The following is an entry in ClinVar:

ClinVar aggregate classification (germline): Uncertain significance (1 of 4 stars; one submission).

Allele frequency attached by ClinVar (database versions not stated): gnomAD exomes below 0.00001; TOPMed below 0.00001.
gnomAD v4.1: 1 of 1,614,182 alleles (0.000062%); highest among the groups gnomAD compares: Non-Finnish European, 0.000085%; no homozygotes.

Submission:

Labcorp Genetics (formerly Invitae), Labcorp
Classification: Uncertain significance. Last evaluated: 2024-06-24. Review status: criteria provided, single submitter. Criteria: Invitae Variant Classification Sherloc (09022015). Collection method: clinical testing. Allele origin: germline.
Comment: This sequence change replaces arginine, which is basic and polar, with glycine, which is neutral and non-polar, at codon 157 of the C8B protein (p.Arg157Gly). This variant is not present in population databases (gnomAD no frequency). This variant has not been reported in the literature in individuals affected with C8B-related conditions. An algorithm developed to predict the effect of missense changes on protein structure and function (PolyPhen-2) suggests that this variant is likely to be tolerated. In summary, the available evidence is currently insufficient to determine the role of this variant in disease. Therefore, it has been classified as a Variant of Uncertain Significance.

NM_000066.4(C8B):c.469A>G (p.Arg157Gly)

Gene: C8B (complement C8 beta chain; minus strand). Cytogenetic location: 1p32.2.
Variant type: single nucleotide variant.
Coding change: c.469A>G on transcript NM_000066.4 (MANE Select); coding-DNA position 469, A replaced by G.
Protein change: p.Arg157Gly; replaces arginine 157 with glycine.
Molecular consequence: missense variant.
Genome position (GRCh38, 1-based): chr1:56,954,750, T>C on the plus strand (A>G on the coding strand, the complement: C8B is on the minus strand). VCF-style: chr1-56954750-T-C. GRCh37 (hg19) VCF-style: chr1-57420423-T-C.
Other names: c.313A>G, p.Arg105Gly (NM_001278543.2); c.283A>G, p.Arg95Gly (NM_001278544.2); short protein forms R105G, R157G, R95G.
Identifiers: ClinVar variation 2853379 (VCV002853379.3), dbSNP rs1645077523, ClinGen allele CA340509979.